The following is an entry in ClinVar:

ClinVar aggregate classification (germline): Uncertain significance. Review status: criteria provided, multiple submitters, no conflicts (2 of 4 stars). 2 submissions from 2 submitters: Uncertain significance (2). Last evaluated 2024-01-23.

Conditions:
Perlman syndrome (PRLMNS). Identifiers: Orphanet 2849, MedGen C0796113, MONDO:0009965, OMIM 267000.

Submissions (2):

Fulgent Genetics
Classification: Uncertain significance for Perlman syndrome. Last evaluated: 2024-01-23. Review status: criteria provided, single submitter. Criteria: ACMG Guidelines, 2015. Collection method: clinical testing. Allele origin: germline.

Labcorp Genetics (formerly Invitae), Labcorp
Classification: Uncertain significance for Perlman syndrome. Last evaluated: 2021-12-24. Review status: criteria provided, single submitter. Criteria: Invitae Variant Classification Sherloc (09022015). Collection method: clinical testing. Allele origin: germline.
Comment: This sequence change replaces proline, which is neutral and non-polar, with serine, which is neutral and polar, at codon 702 of the DIS3L2 protein (p.Pro702Ser). This variant is not present in population databases (gnomAD no frequency). This variant has not been reported in the literature in individuals affected with DIS3L2-related conditions. Algorithms developed to predict the effect of missense changes on protein structure and function (SIFT, PolyPhen-2, Align-GVGD) all suggest that this variant is likely to be disruptive. In summary, the available evidence is currently insufficient to determine the role of this variant in disease. Therefore, it has been classified as a Variant of Uncertain Significance.

NM_152383.5(DIS3L2):c.2104C>T (p.Pro702Ser)

Gene: DIS3L2 (DIS3 like 3'-5' exoribonuclease 2; plus strand). Cytogenetic location: 2q37.1.
Variant type: single nucleotide variant.
Coding change: c.2104C>T on transcript NM_152383.5 (MANE Select); coding-DNA position 2104, C replaced by T.
Protein change: p.Pro702Ser; replaces proline 702 with serine.
Molecular consequence: missense variant. On other transcripts: non-coding transcript variant (2), intron variant (1).
Genome position (GRCh38, 1-based): chr2:232,333,933, C>T. VCF-style: chr2-232333933-C-T. GRCh37 (hg19) VCF-style: chr2-233198643-C-T.
Other names: c.1582-9412C>T (NM_001257281.2); short protein forms P702S.
Identifiers: ClinVar variation 2145746 (VCV002145746.5), dbSNP rs2469446580, ClinGen allele CA350977488.